The following is an entry in ClinVar:

NM_001252102.2(KIF21B):c.2385+1G>A

Gene: KIF21B (kinesin family member 21B; minus strand). Cytogenetic location: 1q32.1.
Variant type: single nucleotide variant.
Coding change: c.2385+1G>A on transcript NM_001252102.2 (MANE Select); the canonical splice donor site of the intron after coding-DNA position 2385, G replaced by A.
Molecular consequence: splice donor variant.
Genome position (GRCh38, 1-based): chr1:200,992,281, C>T on the plus strand (G>A on the coding strand, the complement: KIF21B is on the minus strand). VCF-style: chr1-200992281-C-T. GRCh37 (hg19) VCF-style: chr1-200961409-C-T.
Other names: c.2385+1G>A (NM_001252103.2, NM_017596.4, NM_001252100.2).
Identifiers: ClinVar variation 4813413 (VCV004813413.1).

ClinVar aggregate classification (germline): Uncertain significance (1 of 4 stars; one submission).

Submission:

GeneDx
Classification: Uncertain significance. Last evaluated: 2025-09-16. Review status: criteria provided, single submitter. Criteria: GeneDx Variant Classification Process June 2021. Collection method: clinical testing. Allele origin: germline. Affected: yes.
Comment: Not observed at significant frequency in large population cohorts (gnomAD); Canonical splice site variant with an unclear effect on protein function; Has not been previously published as pathogenic or benign to our knowledge